The following is an entry in ClinVar:

ClinVar aggregate classification (germline): Uncertain significance (1 of 4 stars; one submission).

gnomAD v4.1: 1 of 1,612,656 alleles (0.000062%); no homozygotes.

Submission:

Ambry Genetics
Classification: Uncertain significance. Last evaluated: 2024-12-24. Review status: criteria provided, single submitter. Criteria: Ambry Variant Classification Scheme 2023. Collection method: clinical testing. Allele origin: germline.
Comment: The p.S1124L variant (also known as c.3371C>T), located in coding exon 13 of the WNK2 gene, results from a C to T substitution at nucleotide position 3371. The serine at codon 1124 is replaced by leucine, an amino acid with dissimilar properties. This amino acid position is conserved. In addition, this alteration is predicted to be tolerated by in silico analysis. Based on the available evidence, the clinical significance of this variant remains unclear.

NM_006648.4(WNK2):c.3371C>T (p.Ser1124Leu)

Gene: WNK2 (WNK lysine deficient protein kinase 2; plus strand). Cytogenetic location: 9q22.31.
Variant type: single nucleotide variant.
Coding change: c.3371C>T on transcript NM_006648.4 (MANE Select); coding-DNA position 3371, C replaced by T.
Protein change: p.Ser1124Leu; replaces serine 1124 with leucine.
Molecular consequence: missense variant.
Genome position (GRCh38, 1-based): chr9:93,262,680, C>T. VCF-style: chr9-93262680-C-T. GRCh37 (hg19) VCF-style: chr9-96024962-C-T.
Other names: c.3371C>T, p.Ser1124Leu (NM_001282394.3); short protein forms S1124L.
Identifiers: ClinVar variation 3816620 (VCV003816620.1).